The following is an entry in ClinVar:

ClinVar aggregate classification (germline): Likely benign (1 of 4 stars; one submission).

gnomAD v4.1: 128 of 1,613,464 alleles (0.0079%); highest among the groups gnomAD compares: Admixed American, 0.21%; no homozygotes.

Submission:

CeGaT Center for Human Genetics Tuebingen
Classification: Likely benign. Last evaluated: 2026-04-01. Review status: criteria provided, single submitter. Criteria: CeGaT Center For Human Genetics Tuebingen Variant Classification Criteria Version 2. Collection method: clinical testing. Allele origin: germline. Affected: yes. Observed: 1 variant allele.
Comment: CUX1: BS1

NM_001913.5(CUX1):c.2032C>T (p.Gln678Ter)

Gene: CUX1 (cut like homeobox 1; plus strand). Cytogenetic location: 7q22.1.
Variant type: single nucleotide variant.
Coding change: c.2032C>T on transcript NM_001913.5 (MANE Plus Clinical); coding-DNA position 2032, C replaced by T.
Protein change: p.Gln678Ter; replaces glutamine 678 with a stop codon.
Molecular consequence: nonsense.
Genome position (GRCh38, 1-based): chr7:102,283,085, C>T. VCF-style: chr7-102283085-C-T. GRCh37 (hg19) VCF-style: chr7-101926377-C-T.
Other names: c.1984C>T, p.Gln662Ter (NM_001202544.3); c.1894C>T, p.Gln632Ter (NM_001202545.3); c.1915C>T, p.Gln639Ter (NM_001202546.3); c.2026C>T, p.Gln676Ter (NM_181500.4); short protein forms Q632*, Q639*, Q662*, Q676*, Q678*.
Identifiers: ClinVar variation 4874260 (VCV004874260.2).